The following is an entry in ClinVar:

ClinVar aggregate classification (germline): Uncertain significance (1 of 4 stars; one submission).

gnomAD v4.1: 1 of 1,614,090 alleles (0.000062%); highest among the groups gnomAD compares: Non-Finnish European, 0.000085%; no homozygotes.

Submission:

Labcorp Genetics (formerly Invitae), Labcorp
Classification: Uncertain significance. Last evaluated: 2024-02-06. Review status: criteria provided, single submitter. Criteria: Invitae Variant Classification Sherloc (09022015). Collection method: clinical testing. Allele origin: germline.
Comment: This sequence change replaces valine, which is neutral and non-polar, with glycine, which is neutral and non-polar, at codon 2890 of the MACF1 protein (p.Val2890Gly). This variant is not present in population databases (gnomAD no frequency). This variant has not been reported in the literature in individuals affected with MACF1-related conditions. An algorithm developed to predict the effect of missense changes on protein structure and function (PolyPhen-2) suggests that this variant is likely to be tolerated. In summary, the available evidence is currently insufficient to determine the role of this variant in disease. Therefore, it has been classified as a Variant of Uncertain Significance.

NM_001394062.1(MACF1):c.14855T>G (p.Val4952Gly)

Genes: MACF1 (microtubule actin crosslinking factor 1; plus strand), LOC114803468 (MACF1 eExon liver enhancer; plus strand). Cytogenetic location: 1p34.3.
Variant type: single nucleotide variant.
Coding change: c.14855T>G on transcript NM_001394062.1 (MANE Select); coding-DNA position 14855, T replaced by G.
Protein change: p.Val4952Gly; replaces valine 4952 with glycine.
Molecular consequence: missense variant.
Genome position (GRCh38, 1-based): chr1:39,387,697, T>G. VCF-style: chr1-39387697-T-G. GRCh37 (hg19) VCF-style: chr1-39853369-T-G.
Other names: c.8669T>G, p.Val2890Gly (NM_012090.5); short protein forms V2890G, V4952G.
Identifiers: ClinVar variation 3633326 (VCV003633326.2).